The following is an entry in ClinVar:

NM_001242896.3(DEPDC5):c.3684del (p.Ile1228fs)

Gene: DEPDC5 (DEP domain containing 5, GATOR1 subcomplex subunit; plus strand). Cytogenetic location: 22q12.3.
Variant type: Deletion.
Coding change: c.3684del on transcript NM_001242896.3 (MANE Select); coding-DNA position 3684, one base deleted (T; older notation c.3684delT).
Protein change: p.Ile1228fs; shifts the reading frame from isoleucine 1228.
Molecular consequence: frameshift variant. On other transcripts: non-coding transcript variant (4).
Genome position (GRCh38, 1-based): chr22:31,874,393, T deleted; the last of 2 consecutive T bases (chr22:31,874,392-31,874,393); deleting either gives the same sequence. VCF-style (leftmost placement, unchanged base first): chr22-31874391-AT-A. GRCh37 (hg19) VCF-style: chr22-32270377-AT-A.
Other names: c.3657del, p.Ile1219fs (NM_001136029.4); c.3384del, p.Ile1128fs (NM_001242897.2); c.3618del, p.Ile1206fs (NM_001363852.2, NM_001364320.2); c.3450del, p.Ile1150fs (NM_001363854.2, NM_001364319.2); c.3684del, p.Ile1228fs (NM_001364318.2); c.3600del, p.Ile1200fs (NM_001369901.1, NM_001369902.1); c.3591del, p.Ile1197fs (NM_001369903.1, NM_014662.6); short protein forms I1150fs, I1200fs, I1206fs, I1128fs, I1197fs, I1219fs, I1228fs.
Identifiers: ClinVar variation 3501154 (VCV003501154.1).

ClinVar aggregate classification (germline): Pathogenic (1 of 4 stars; one submission).

Conditions:
Inborn genetic diseases. Identifiers: MedGen C0950123, MeSH D030342.

Submission:

Ambry Genetics
Classification: Pathogenic for Inborn genetic diseases. Last evaluated: 2024-08-21. Review status: criteria provided, single submitter. Criteria: Ambry Variant Classification Scheme 2023. Collection method: clinical testing. Allele origin: germline.
Comment: The c.3684delT (p.I1228Mfs*33) alteration, located in exon 36 (coding exon 35) of the DEPDC5 gene, consists of a deletion of one nucleotide at position 3684, causing a translational frameshift with a predicted alternate stop codon after 33 amino acids. This alteration is expected to result in loss of function by premature protein truncation or nonsense-mediated mRNA decay. This variant was not reported in population-based cohorts in the Genome Aggregation Database (gnomAD). Based on the available evidence, this alteration is classified as pathogenic.